The following is an entry in ClinVar:

ClinVar aggregate classification (germline): Uncertain significance. Review status: criteria provided, multiple submitters, no conflicts (2 of 4 stars). 2 submissions from 2 submitters: Uncertain significance (2). Last evaluated 2025-10-04.

Conditions:
Early-infantile DEE. Also called: Early infantile epileptic encephalopathy; Ohtahara syndrome; Early infantile epileptic encephalopathy with suppression bursts. Identifiers: Orphanet 1934, MedGen C0393706, MONDO:0800491.

Submissions (2):

Labcorp Genetics (formerly Invitae), Labcorp
Classification: Uncertain significance for Early-infantile DEE. Last evaluated: 2025-10-04. Review status: criteria provided, single submitter. Criteria: Invitae Variant Classification Sherloc (09022015). Collection method: clinical testing. Allele origin: germline.
Comment: This sequence change replaces glycine, which is neutral and non-polar, with aspartic acid, which is acidic and polar, at codon 616 of the SCN8A protein (p.Gly616Asp). This variant is not present in population databases (gnomAD no frequency). This variant has not been reported in the literature in individuals affected with SCN8A-related conditions. ClinVar contains an entry for this variant (Variation ID: 3233909). Invitae Evidence Modeling of protein sequence and biophysical properties (such as structural, functional, and spatial information, amino acid conservation, physicochemical variation, residue mobility, and thermodynamic stability) indicates that this missense variant is not expected to disrupt SCN8A protein function with a negative predictive value of 95%. In summary, the available evidence is currently insufficient to determine the role of this variant in disease. Therefore, it has been classified as a Variant of Uncertain Significance.

Women's Health and Genetics/Laboratory Corporation of America, LabCorp
Classification: Uncertain significance. Last evaluated: 2024-03-18. Review status: criteria provided, single submitter. Criteria: LabCorp Variant Classification Summary - May 2015. Collection method: clinical testing. Allele origin: germline.
Comment: Variant summary: SCN8A c.1847G>A (p.Gly616Asp) results in a non-conservative amino acid change located in the voltage-gated Na+ ion channel, cytoplasmic domain of the encoded protein sequence. Four of five in-silico tools predict a damaging effect of the variant on protein function. The variant was absent in 231178 control chromosomes (gnomAD). The available data on variant occurrences in the general population are insufficient to allow any conclusion about variant significance. To our knowledge, no occurrence of c.1847G>A in individuals affected with Early Infantile Epileptic Encephalopathy 13 and no experimental evidence demonstrating its impact on protein function have been reported. No submitters have cited clinical-significance assessments for this variant to ClinVar. Based on the evidence outlined above, the variant was classified as uncertain significance.

NM_001330260.2(SCN8A):c.1847G>A (p.Gly616Asp)

Gene: SCN8A (sodium voltage-gated channel alpha subunit 8; plus strand). Cytogenetic location: 12q13.13.
Variant type: single nucleotide variant.
Coding change: c.1847G>A on transcript NM_001330260.2 (MANE Select); coding-DNA position 1847, G replaced by A.
Protein change: p.Gly616Asp; replaces glycine 616 with aspartic acid.
Molecular consequence: missense variant.
Genome position (GRCh38, 1-based): chr12:51,721,757, G>A. VCF-style: chr12-51721757-G-A. GRCh37 (hg19) VCF-style: chr12-52115541-G-A.
Other names: c.1847G>A, p.Gly616Asp (NM_001177984.3, NM_001369788.1, NM_014191.4); short protein forms G616D.
Identifiers: ClinVar variation 3233909 (VCV003233909.3), dbSNP rs2540204245, ClinGen allele CA385229714.